The following is an entry in ClinVar:

ClinVar aggregate classification (germline): Likely pathogenic (1 of 4 stars; one submission).

Conditions:
Histiocytic medullary reticulosis. Also called: SEVERE COMBINED IMMUNODEFICIENCY WITH HYPEREOSINOPHILIA; Omenn syndrome. Identifiers: Orphanet 39041, MedGen C2700553, MONDO:0011338, OMIM 603554.

Submission:

Department of Molecular Genetics, Istishari Arab Hospital
Classification: Likely pathogenic for Histiocytic medullary reticulosis. Last evaluated: 2025-12-18. Review status: criteria provided, single submitter. Criteria: ACMG Guidelines, 2015. Collection method: clinical testing. Allele origin: germline. Inheritance: Autosomal recessive inheritance. Affected: yes.
Comment: The RAG1 variant c.1410_1413del, p.Cys470Trpfs*21 creates a shift in the reading frame at position 470, introducing a premature stop codon 21 amino acids downstream. This is predicted to result in a loss or disruption of normal protein function through non-sense mediated decay (NMD) or protein truncation. This variant is observed with very low frequency (<0.001) in the gnomAD v4.1.0 dataset and has not been previously described in the literature. It is classified as likely pathogenic based on the recommendations of ACMG/AMP/ClinGen SVI guidelines.

NM_000448.3(RAG1):c.1410_1413del (p.Cys470fs)

Gene: RAG1 (recombination activating 1; plus strand). Cytogenetic location: 11p12.
Variant type: Deletion.
Coding change: c.1410_1413del on transcript NM_000448.3 (MANE Select); coding-DNA positions 1410 to 1413, 4 bases deleted (CTTG; older notation c.1410_1413delCTTG).
Protein change: p.Cys470fs; shifts the reading frame from cysteine 470.
Molecular consequence: frameshift variant.
Genome position (GRCh38, 1-based): chr11:36,574,714-36,574,717, CTTG deleted; deleting any 4 consecutive bases within chr11:36,574,711-36,574,717 gives the same sequence; the c. name uses the placement nearest the transcript's 3' end. VCF-style (leftmost placement, unchanged base first): chr11-36574710-TTTGC-T. GRCh37 (hg19) VCF-style: chr11-36596260-TTTGC-T.
Other names: p.Cys470Trpfs*21; c.1410_1413del, p.Cys470fs (NM_001377277.1, NM_001377278.1, NM_001377279.1 and 3 more transcripts); short protein forms C470fs.
Identifiers: ClinVar variation 4538493 (VCV004538493.1).